The following is an entry in ClinVar:

ClinVar aggregate classification (germline): Uncertain significance. Review status: criteria provided, multiple submitters, no conflicts (2 of 4 stars). 4 submissions from 4 submitters: Uncertain significance (4). Last evaluated 2023-04-11.

Conditions:
Immunodeficiency, common variable, 7. Identifiers: Orphanet 1572, Orphanet 696894, MedGen C3542922, MONDO:0013862, OMIM 614699.
Systemic lupus erythematosus, susceptibility to, 9. Also called: Systemic lupus erythematosus 9. Identifiers: MedGen C1970455, MONDO:0012584, OMIM 610927.

Allele frequency attached by ClinVar (database versions not stated): gnomAD exomes 0.00009; ExAC 0.00012; ESP Exome Variant Server 0.00015; gnomAD 0.00026 and 0.00027; TOPMed 0.00030; 1000 Genomes Project 30x 0.00062; 1000 Genomes Project 0.00080.
gnomAD v4.1: 102 of 1,613,408 alleles (0.0063%); highest among the groups gnomAD compares: African/African-American, 0.12%; no homozygotes.

Submissions (4):

Genome-Nilou Lab
Classification: Uncertain significance for Immunodeficiency, common variable, 7. Last evaluated: 2023-04-11. Review status: criteria provided, single submitter. Criteria: ACMG Guidelines, 2015. Collection method: clinical testing. Allele origin: germline. Affected: no.

Labcorp Genetics (formerly Invitae), Labcorp
Classification: Uncertain significance for Immunodeficiency, common variable, 7. Last evaluated: 2022-10-19. Review status: criteria provided, single submitter. Criteria: Invitae Variant Classification Sherloc (09022015). Collection method: clinical testing. Allele origin: germline.
Comment: This sequence change replaces asparagine, which is neutral and polar, with serine, which is neutral and polar, at codon 492 of the CR2 protein (p.Asn492Ser). This variant is present in population databases (rs142212472, gnomAD 0.1%). This variant has not been reported in the literature in individuals affected with CR2-related conditions. ClinVar contains an entry for this variant (Variation ID: 665869). Algorithms developed to predict the effect of missense changes on protein structure and function (SIFT, PolyPhen-2, Align-GVGD) all suggest that this variant is likely to be tolerated. In summary, the available evidence is currently insufficient to determine the role of this variant in disease. Therefore, it has been classified as a Variant of Uncertain Significance.

Revvity Omics, Revvity
Classification: Uncertain significance for Immunodeficiency, common variable, 7. Last evaluated: 2020-04-03. Review status: criteria provided, single submitter. Criteria: ACMG Guidelines, 2015. Collection method: clinical testing. Allele origin: germline.

Center for Genomics, Ann and Robert H. Lurie Children's Hospital of Chicago
Classification: Uncertain significance for Systemic lupus erythematosus, susceptibility to, 9; Immunodeficiency, common variable, 7. Review status: criteria provided, single submitter. Criteria: ACMG Guidelines, 2015. Collection method: clinical testing. Allele origin: germline.
Comment: CR2 NM_001006658.2 exon 8 p.Asn492Ser (c.1475A>G):This variant has not been reported in the literature but is present in 0.1% (27/24734) of African alleles in the Genome Aggregation Database. This variant is present in ClinVar (Variation ID:665869). Evolutionary conservation and computational predictive tools suggest that this variant may not impact the protein. In summary, data on this variant is insufficient for disease classification. Therefore, the clinical significance of this variant is uncertain.

NM_001006658.3(CR2):c.1475A>G (p.Asn492Ser)

Gene: CR2 (complement C3d receptor 2; plus strand). Cytogenetic location: 1q32.2.
Variant type: single nucleotide variant.
Coding change: c.1475A>G on transcript NM_001006658.3 (MANE Select); coding-DNA position 1475, A replaced by G.
Protein change: p.Asn492Ser; replaces asparagine 492 with serine.
Molecular consequence: missense variant.
Genome position (GRCh38, 1-based): chr1:207,471,069, A>G. VCF-style: chr1-207471069-A-G. GRCh37 (hg19) VCF-style: chr1-207644414-A-G.
Other names: c.1475A>G, p.Asn492Ser (NM_001877.5); short protein forms N492S.
Identifiers: ClinVar variation 665869 (VCV000665869.14), dbSNP rs142212472, ClinGen allele CA1368726.
Genomic context (GRCh38, chr1:207,471,069, plus strand): 5'-AAGCTACAGGAAGGCAACTCTTGACAAAACCCCAGCACCAATTTGTTAGACCAGATGTCA[A>G]CTCTTCTTGTGGTGAAGGGTGAGTGAAGGCTGACTTAGTCTGACCCAATTCCGGTGTATC-3'
Protein context (NP_001006659.1, residues 482-502): PQHQFVRPDV[Asn492Ser]SSCGEGYKLS